The following is an entry in ClinVar:

NM_024334.3(TMEM43):c.679C>T (p.His227Tyr)

Gene: TMEM43 (transmembrane protein 43; plus strand). Cytogenetic location: 3p25.1.
Variant type: single nucleotide variant.
Coding change: c.679C>T on transcript NM_024334.3 (MANE Select); coding-DNA position 679, C replaced by T.
Protein change: p.His227Tyr; replaces histidine 227 with tyrosine.
Molecular consequence: missense variant.
Genome position (GRCh38, 1-based): chr3:14,134,865, C>T. VCF-style: chr3-14134865-C-T. GRCh37 (hg19) VCF-style: chr3-14176365-C-T.
Other names: short protein forms H227Y.
Identifiers: ClinVar variation 1171223 (VCV001171223.8), dbSNP rs201460674, ClinGen allele CA351535625.
Genomic context (GRCh38, chr3:14,134,865, plus strand): 5'-AGCCTATCCAAGCTGGAGGACCCTCATGTGGACATCATTCGCCGTGGAGACTTTTTCTAC[C>T]ACAGCGAAAATCCCAAGTATCCAGAGGTGTGCGGAGAGGCCTGGGCTCTCCAAATAGGAG-3'
Protein context (NP_077310.1, residues 217-237): DIIRRGDFFY[His227Tyr]SENPKYPEVG

ClinVar aggregate classification (germline): Uncertain significance. Review status: criteria provided, multiple submitters, no conflicts (2 of 4 stars). 2 submissions from 2 submitters: Uncertain significance (2). Last evaluated 2021-11-29.

Conditions:
Cardiomyopathy (CMYO). Also called: Cardiomyopathies. Identifiers: Orphanet 167848, MedGen C0878544, MONDO:0004994, HP:0001638. Inheritance: Various modes of inheritance.
Arrhythmogenic right ventricular dysplasia 5. Also called: Arrhythmogenic Right Ventricular Dysplasia/Cardiomyopathy 5; ARRHYTHMOGENIC RIGHT VENTRICULAR DYSPLASIA, FAMILIAL, 5. Identifiers: MedGen C1858379, MONDO:0011459, OMIM 604400.

Submissions (2):

Labcorp Genetics (formerly Invitae), Labcorp
Classification: Uncertain significance for Arrhythmogenic right ventricular dysplasia 5. Last evaluated: 2021-11-29. Review status: criteria provided, single submitter. Criteria: Invitae Variant Classification Sherloc (09022015). Collection method: clinical testing. Allele origin: germline.
Comment: This variant is not present in population databases (gnomAD no frequency). In summary, the available evidence is currently insufficient to determine the role of this variant in disease. Therefore, it has been classified as a Variant of Uncertain Significance. Algorithms developed to predict the effect of missense changes on protein structure and function are either unavailable or do not agree on the potential impact of this missense change (SIFT: "Deleterious"; PolyPhen-2: "Probably Damaging"; Align-GVGD: "Class C0"). ClinVar contains an entry for this variant (Variation ID: 1171223). This variant has not been reported in the literature in individuals affected with TMEM43-related conditions. This sequence change replaces histidine, which is basic and polar, with tyrosine, which is neutral and polar, at codon 227 of the TMEM43 protein (p.His227Tyr).

Color Diagnostics, LLC DBA Color Health
Classification: Uncertain significance for Cardiomyopathy. Last evaluated: 2020-12-16. Review status: criteria provided, single submitter. Criteria: ACMG Guidelines, 2015. Collection method: clinical testing. Allele origin: germline.
Comment: This missense variant replaces histidine with tyrosine at codon 227 of the TMEM43 protein. Computational prediction suggests that this variant may not impact protein structure and function (internally defined REVEL score threshold <= 0.5, PMID: 27666373). To our knowledge, functional studies have not been reported for this variant. This variant has not been reported in individuals affected with cardiovascular disorders in the literature. This variant has not been identified in the general population by the Genome Aggregation Database (gnomAD). The available evidence is insufficient to determine the role of this variant in disease conclusively. Therefore, this variant is classified as a Variant of Uncertain Significance.